The following is an entry in ClinVar:

NM_014363.6(SACS):c.7205_7206del (p.Leu2402fs)

Gene: SACS (sacsin molecular chaperone; minus strand). Cytogenetic location: 13q12.12.
Variant type: Deletion.
Coding change: c.7205_7206del on transcript NM_014363.6 (MANE Select); coding-DNA positions 7205 to 7206, 2 bases deleted (TT; older notation c.7205_7206delTT).
Protein change: p.Leu2402fs; shifts the reading frame from leucine 2402.
Molecular consequence: frameshift variant.
Genome position (GRCh38, 1-based): chr13:23,336,670-23,336,671, AA deleted on the plus strand (TT on the coding strand, the reverse complement: SACS is on the minus strand). VCF-style (leftmost placement, unchanged base first): chr13-23336669-CAA-C. GRCh37 (hg19) VCF-style: chr13-23910808-CAA-C.
Other names: p.Leu2402Argfs*6; c.7205_7206delTT (NM_014363.6); c.6764_6765del, p.Leu2255fs (NM_001278055.2); short protein forms L2255fs, L2402fs.
Identifiers: ClinVar variation 458274 (VCV000458274.16), dbSNP rs773182375, ClinGen allele CA6910949.

ClinVar aggregate classification (germline): Pathogenic/Likely pathogenic. Review status: criteria provided, multiple submitters, no conflicts (2 of 4 stars). 8 submissions from 8 submitters: Pathogenic (6); Likely pathogenic (2). Last evaluated 2025-12-15.

Conditions:
SACS-related disorder. Also called: SACS-related condition.
Spastic paraplegia. Identifiers: MedGen C0037772, HP:0001258.
Charlevoix-Saguenay spastic ataxia (SACS). Also called: AUTOSOMAL RECESSIVE SPASTIC ATAXIA OF CHARLEVOIX-SAGUENAY; SPASTIC ATAXIA 6, AUTOSOMAL RECESSIVE; Spastic ataxia of Charlevoix-Saguenay. Identifiers: Orphanet 98, MedGen C1849140, MONDO:0010041, OMIM 270550.

Allele frequency attached by ClinVar (database versions not stated): gnomAD 0.00001; ExAC 0.00002; gnomAD exomes 0.00002; TOPMed 0.00002.

Submissions (8):

Labcorp Genetics (formerly Invitae), Labcorp
Classification: Pathogenic for Spastic paraplegia. Last evaluated: 2025-12-15. Review status: criteria provided, single submitter. Criteria: Invitae Variant Classification Sherloc (09022015). Collection method: clinical testing. Allele origin: germline.
Comment: This sequence change creates a premature translational stop signal (p.Leu2402Argfs*6) in the SACS gene. While this is not anticipated to result in nonsense mediated decay, it is expected to disrupt the last 2178 amino acid(s) of the SACS protein. This variant is present in population databases (rs773182375, gnomAD 0.004%). This variant has not been reported in the literature in individuals affected with SACS-related conditions. ClinVar contains an entry for this variant (Variation ID: 458274). This variant disrupts a region of the SACS protein in which other variant(s) (p.Arg3903*) have been determined to be pathogenic (PMID: 19892370, 21745802). This suggests that this is a clinically significant region of the protein, and that variants that disrupt it are likely to be disease-causing. For these reasons, this variant has been classified as Pathogenic.

Women's Health and Genetics/Laboratory Corporation of America, LabCorp
Classification: Pathogenic for Charlevoix-Saguenay spastic ataxia. Last evaluated: 2025-11-28. Review status: criteria provided, single submitter. Criteria: LabCorp Variant Classification Summary - May 2015. Collection method: clinical testing. Allele origin: germline.
Comment: Variant summary: SACS c.7205_7206delTT (p.Leu2402ArgfsX6) results in a premature termination codon and although it is not predicted to cause absence of the protein due to nonsense mediated decay, it is expected to result in a truncation of the encoded protein, which is a commonly known mechanism for disease. Variants downstream of this position have been classified as pathogenic by our laboratory and other ClinVar submitters. The variant allele was found at a frequency of 2e-05 in 250642 control chromosomes. c.7205_7206delTT has been observed as a biallelic genotype in individuals affected with Charlevoix-Saguenay spastic ataxia (e.g. Mutlu-Albayrak_2020, Douglas_2021). These data indicate that the variant is likely to be associated with disease. To our knowledge, no experimental evidence demonstrating an impact on protein function has been reported. The following publications have been ascertained in the context of this evaluation (PMID: 32991389, 31741144). ClinVar contains an entry for this variant (Variation ID: 458274). Based on the evidence outlined above, the variant was classified as pathogenic.

PreventionGenetics, part of Exact Sciences
Classification: Pathogenic for SACS-related condition. Last evaluated: 2025-09-23. Review status: criteria provided, single submitter. Criteria: ACMG Guidelines, 2015. Collection method: clinical testing. Allele origin: germline.
Comment: The SACS c.7205_7206delTT variant is predicted to result in a frameshift and premature protein termination (p.Leu2402Argfs*6). This variant was reported in the homozygous state in a patient with childhood-onset ataxia (Mutlu-Albayrak. 2020. PubMed ID: 31741144; Table S1, Vural. 2021. PubMed ID: 33624863). This variant is reported in 0.0035% of alleles in individuals of European (Non-Finnish) descent in gnomAD. Frameshift variants in SACS are expected to be pathogenic. This variant is interpreted as pathogenic.

Mayo Clinic Laboratories, Mayo Clinic
Classification: Likely pathogenic. Last evaluated: 2025-09-08. Review status: criteria provided, single submitter. Criteria: ACMG Guidelines, 2015. Collection method: clinical testing. Allele origin: germline. Observed: 2 variant alleles.
Comment: PM2_supporting, PM3, PVS1_strong

Natera, Inc.
Classification: Likely pathogenic for Charlevoix-Saguenay type spastic ataxia. Last evaluated: 2024-11-29. Review status: criteria provided, single submitter. Criteria: Natera Variant Classification Schema (03/2026). Collection method: clinical testing. Allele origin: germline.
Comment: The c.7205_7206delTT variant in SACS is a frameshift variant predicted to shift the reading frame beginning at codon 2402 and leads to a stop codon 6 codons downstream. This variant is expected to result in nonsense mediated decay, truncation, or a dysfunctional protein product. This variant is rare in the general population with a frequency below the threshold expected for the associated phenotype(s). This variant has been observed in one or more individuals affected with the associated recessive disease, as either homozygous or compound heterozygous with a second variant (PMID: 31741144, 33624863, 32991389). Additionally, this variant has been observed to segregate in affected family members (PMID: 31741144). Given the available evidence, this variant is classified as Likely Pathogenic.

Baylor Genetics
Classification: Pathogenic for Charlevoix-Saguenay spastic ataxia. Last evaluated: 2023-09-09. Review status: criteria provided, single submitter. Criteria: ACMG Guidelines, 2015. Collection method: clinical testing. Allele origin: unknown.

Fulgent Genetics
Classification: Pathogenic for Charlevoix-Saguenay spastic ataxia. Last evaluated: 2022-03-28. Review status: criteria provided, single submitter. Criteria: ACMG Guidelines, 2015. Collection method: clinical testing. Allele origin: unknown.

PROSPAX: an integrated multimodal progression  chart in spastic ataxias, Center for Neurology; Hertie-Institute for Clinical Brain Research
Classification: Pathogenic for Charlevoix-Saguenay spastic ataxia. Last evaluated: 2022-01-01. Review status: criteria provided, single submitter. Criteria: ACMG Guidelines, 2015. Collection method: research. Allele origin: germline. Affected: yes. Observed: 2 variant alleles, 2 homozygotes.

Literature cited by the submitters: PubMed 19892370 (cited by Labcorp Genetics (formerly Invitae), Labcorp); PubMed 21745802 (cited by Labcorp Genetics (formerly Invitae), Labcorp); PubMed 31741144 (cited by 3 submitters); PubMed 32991389 (cited by 3 submitters); PubMed 29379980 (cited by Mayo Clinic Laboratories, Mayo Clinic); PubMed 33624863 (cited by Mayo Clinic Laboratories, Mayo Clinic and Natera, Inc.); PubMed 34426522 (cited by Mayo Clinic Laboratories, Mayo Clinic); PubMed 35008978 (cited by Mayo Clinic Laboratories, Mayo Clinic).